The following is an entry in ClinVar:

NM_025099.6(CTC1):c.995A>G (p.Lys332Arg)

Gene: CTC1 (CST telomere replication complex component 1; minus strand). Cytogenetic location: 17p13.1.
Variant type: single nucleotide variant.
Coding change: c.995A>G on transcript NM_025099.6 (MANE Select); coding-DNA position 995, A replaced by G.
Protein change: p.Lys332Arg; replaces lysine 332 with arginine.
Molecular consequence: missense variant. On other transcripts: non-coding transcript variant (1).
Genome position (GRCh38, 1-based): chr17:8,236,140, T>C on the plus strand (A>G on the coding strand, the complement: CTC1 is on the minus strand). VCF-style: chr17-8236140-T-C. GRCh37 (hg19) VCF-style: chr17-8139458-T-C.
Other names: c.995A>G (NM_025099.5); short protein forms K332R.
Identifiers: ClinVar variation 1402490 (VCV001402490.9), dbSNP rs937598790, ClinGen allele CA287537528.
Genomic context (GRCh38, chr17:8,236,140, plus strand): 5'-TACCGGACAAGACTTTCTGGATCCTTCTTGTCCTCCGAGTTGCTGGGCATGGGGAGTGGC[T>C]TGGGGTCAGCCTCTAAGAGGGGTCCTTCCAGCTCCAGTTCCAGCTCCTGCACACATTCTG-3'
Protein context (NP_079375.3, residues 322-342): LEGPLLEADP[Lys332Arg]PLPMPSNSED

ClinVar aggregate classification (germline): Uncertain significance. Review status: criteria provided, multiple submitters, no conflicts (2 of 4 stars). 2 submissions from 2 submitters: Uncertain significance (2). Last evaluated 2025-11-05.

Conditions:
Inborn genetic diseases. Identifiers: MedGen C0950123, MeSH D030342.
Dyskeratosis congenita. Identifiers: Orphanet 1775, MedGen C0265965, MONDO:0015780.

Allele frequency attached by ClinVar (database versions not stated): gnomAD exomes below 0.00001; gnomAD 0.00001; TOPMed 0.00001.
gnomAD v4.1: 2 of 1,614,102 alleles (0.00012%); highest among the groups gnomAD compares: Non-Finnish European, 0.00017%; no homozygotes.

Submissions (2):

Ambry Genetics
Classification: Uncertain significance for Inborn genetic diseases. Last evaluated: 2025-11-05. Review status: criteria provided, single submitter. Criteria: Ambry Variant Classification Scheme 2023. Collection method: clinical testing. Allele origin: germline.

Labcorp Genetics (formerly Invitae), Labcorp
Classification: Uncertain significance for Dyskeratosis congenita. Last evaluated: 2022-06-26. Review status: criteria provided, single submitter. Criteria: Invitae Variant Classification Sherloc (09022015). Collection method: clinical testing. Allele origin: germline.
Comment: This variant has not been reported in the literature in individuals affected with CTC1-related conditions. In summary, the available evidence is currently insufficient to determine the role of this variant in disease. Therefore, it has been classified as a Variant of Uncertain Significance. Algorithms developed to predict the effect of missense changes on protein structure and function output the following: SIFT: "Tolerated"; PolyPhen-2: "Benign"; Align-GVGD: "Class C0". The arginine amino acid residue is found in multiple mammalian species, which suggests that this missense change does not adversely affect protein function. This variant is present in population databases (no rsID available, gnomAD 0.0009%). This sequence change replaces lysine, which is basic and polar, with arginine, which is basic and polar, at codon 332 of the CTC1 protein (p.Lys332Arg).